The following is an entry in ClinVar:

NM_019032.6(ADAMTSL4):c.9C>G (p.Asn3Lys)

Genes: ADAMTSL4 (ADAMTS like 4; plus strand), ADAMTSL4-AS2 (ADAMTSL4 antisense RNA 2; minus strand). Cytogenetic location: 1q21.2.
Variant type: single nucleotide variant.
Coding change: c.9C>G on transcript NM_019032.6 (MANE Select); coding-DNA position 9, C replaced by G.
Protein change: p.Asn3Lys; replaces asparagine 3 with lysine.
Molecular consequence: missense variant.
Genome position (GRCh38, 1-based): chr1:150,552,297, C>G. VCF-style: chr1-150552297-C-G. GRCh37 (hg19) VCF-style: chr1-150524773-C-G.
Other names: c.9C>G, p.Asn3Lys (NM_001288607.2, NM_001288608.2, NM_001378596.1 and 1 more transcripts); short protein forms N3K.
Identifiers: ClinVar variation 2805128 (VCV002805128.3), dbSNP rs1671492268, ClinGen allele CA342295306.

ClinVar aggregate classification (germline): Uncertain significance (1 of 4 stars; one submission).

Allele frequency attached by ClinVar (database versions not stated): TOPMed below 0.00001; gnomAD exomes 0.00001.
gnomAD v4.1: 8 of 1,555,970 alleles (0.00051%); highest among the groups gnomAD compares: Non-Finnish European, 0.0007%; no homozygotes.

Submission:

Labcorp Genetics (formerly Invitae), Labcorp
Classification: Uncertain significance. Last evaluated: 2023-04-03. Review status: criteria provided, single submitter. Criteria: Invitae Variant Classification Sherloc (09022015). Collection method: clinical testing. Allele origin: germline.
Comment: In summary, the available evidence is currently insufficient to determine the role of this variant in disease. Therefore, it has been classified as a Variant of Uncertain Significance. Advanced modeling of protein sequence and biophysical properties (such as structural, functional, and spatial information, amino acid conservation, physicochemical variation, residue mobility, and thermodynamic stability) performed at Invitae indicates that this missense variant is not expected to disrupt ADAMTSL4 protein function. This variant has not been reported in the literature in individuals affected with ADAMTSL4-related conditions. This variant is not present in population databases (gnomAD no frequency). This sequence change replaces asparagine, which is neutral and polar, with lysine, which is basic and polar, at codon 3 of the ADAMTSL4 protein (p.Asn3Lys).